The following is an entry in ClinVar:

ClinVar aggregate classification (germline): Conflicting classifications of pathogenicity. Review status: criteria provided, conflicting classifications (1 of 4 stars). 2 submissions from 2 submitters: Uncertain significance (1); Benign (1). Last evaluated 2023-08-03.

Conditions:
Obesity due to congenital leptin deficiency. Also called: Leptin deficiency or dysfunction. Identifiers: Orphanet 66628, MedGen C3554224, MONDO:0013991, OMIM 614962.
Early onset severe obesity. Identifiers: MedGen C4013980.

Allele frequency attached by ClinVar (database versions not stated): 1000 Genomes Project 30x 0.00078; 1000 Genomes Project 0.00100; ESP Exome Variant Server 0.00254; ExAC 0.00271; TOPMed 0.00294; gnomAD exomes 0.00302 and 0.00459.
gnomAD v4.1: 7,102 of 1,599,690 alleles (0.44%); highest among the groups gnomAD compares: Non-Finnish European, 0.53%; 28 homozygotes.

Submissions (2):

Cambridge Genomics Laboratory, East Genomic Laboratory Hub, NHS Genomic Medicine Service
Classification: Benign for Severe early-onset obesity. Last evaluated: 2023-08-03. Review status: criteria provided, single submitter. Criteria: ACGS Best Practice Guidelines for Variant Classification in Rare Disease 2020. Collection method: clinical testing. Allele origin: germline. Affected: yes.
Comment: The variant is observed in one or more well-documented healthy adults. (BS2 - Strong) | The c.*33C>T variant is observed in 70/13.304 (0.5262%) alleles from individuals of gnomAD European Finnish background in gnomAD All. The c.*33C>T variant is observed in 67/10.616 (0.6311%) alleles from individuals of gnomAD Genomes v3 European Finnish background in gnomAD Genomes v3, which is greater than expected for the disorder. (BS1 - Strong)

Illumina Laboratory Services, Illumina
Classification: Uncertain significance for Obesity due to congenital leptin deficiency. Last evaluated: 2017-04-27. Review status: criteria provided, single submitter. Criteria: ICSL Variant Classification Criteria 13 December 2019. Collection method: clinical testing. Allele origin: germline.
Comment: This variant was observed as part of a predisposition screen in an ostensibly healthy population. A literature search was performed for the gene, cDNA change, and amino acid change (where applicable). Publications were found based on this search. However, the evidence from the literature, in combination with allele frequency data from public databases where available, was not sufficient to rule this variant in or out of causing disease. Therefore, this variant is classified as a variant of unknown significance.

Literature cited by the submitters: PubMed 20140086 (cited by Illumina Laboratory Services, Illumina); PubMed 15937081 (cited by Illumina Laboratory Services, Illumina); PubMed 9745435 (cited by Illumina Laboratory Services, Illumina).

NM_000230.3(LEP):c.*33C>T

Gene: LEP (leptin; plus strand). Cytogenetic location: 7q32.1.
Variant type: single nucleotide variant.
Coding change: c.*33C>T on transcript NM_000230.3 (MANE Select); 33 bases downstream of the stop codon, C replaced by T.
Molecular consequence: 3 prime UTR variant.
Genome position (GRCh38, 1-based): chr7:128,254,796, C>T. VCF-style: chr7-128254796-C-T. GRCh37 (hg19) VCF-style: chr7-127894849-C-T.
Identifiers: ClinVar variation 911680 (VCV000911680.5), dbSNP rs62481073, ClinGen allele CA4469737.